The following is an entry in ClinVar:

NM_015450.3(POT1):c.632A>G (p.His211Arg)

Gene: POT1 (protection of telomeres 1; minus strand). Cytogenetic location: 7q31.33.
Variant type: single nucleotide variant.
Coding change: c.632A>G on transcript NM_015450.3 (MANE Select); coding-DNA position 632, A replaced by G.
Protein change: p.His211Arg; replaces histidine 211 with arginine.
Molecular consequence: missense variant. On other transcripts: non-coding transcript variant (3).
Genome position (GRCh38, 1-based): chr7:124,859,027, T>C on the plus strand (A>G on the coding strand, the complement: POT1 is on the minus strand). VCF-style: chr7-124859027-T-C. GRCh37 (hg19) VCF-style: chr7-124499081-T-C.
Other names: c.239A>G, p.His80Arg (NM_001042594.2); c.632A>G (NM_015450.2); short protein forms H211R, H80R.
Identifiers: ClinVar variation 2421705 (VCV002421705.10), dbSNP rs1795516969, ClinGen allele CA369056347.

ClinVar aggregate classification (germline): Uncertain significance. Review status: criteria provided, multiple submitters, no conflicts (2 of 4 stars). 3 submissions from 3 submitters: Uncertain significance (3). Last evaluated 2025-11-10.

Conditions:
Hereditary cancer-predisposing syndrome. Also called: Tumor predisposition; Hereditary Cancer Syndrome; Hereditary neoplastic syndrome; Neoplastic Syndromes, Hereditary. Identifiers: Orphanet 140162, MedGen C0027672, MeSH D009386, MONDO:0015356.
Tumor predisposition syndrome 3 (TPDS3). Also called: Melanoma, cutaneous malignant, susceptibility to, 10; Glioma susceptibility 9; LONG TELOMERE SYNDROME, POT1-RELATED; POT1 Tumor Predisposition. Identifiers: Orphanet 618, MedGen C4014476, MONDO:0014368, OMIM 615848.

Submissions (3):

Labcorp Genetics (formerly Invitae), Labcorp
Classification: Uncertain significance for Tumor predisposition syndrome 3. Last evaluated: 2025-11-10. Review status: criteria provided, single submitter. Criteria: Invitae Variant Classification Sherloc (09022015). Collection method: clinical testing. Allele origin: germline.
Comment: This sequence change replaces histidine, which is basic and polar, with arginine, which is basic and polar, at codon 211 of the POT1 protein (p.His211Arg). This variant is not present in population databases (gnomAD no frequency). This variant has not been reported in the literature in individuals affected with POT1-related conditions. ClinVar contains an entry for this variant (Variation ID: 2421705). Invitae Evidence Modeling of protein sequence and biophysical properties (such as structural, functional, and spatial information, amino acid conservation, physicochemical variation, residue mobility, and thermodynamic stability) indicates that this missense variant is not expected to disrupt POT1 protein function with a negative predictive value of 80%. In summary, the available evidence is currently insufficient to determine the role of this variant in disease. Therefore, it has been classified as a Variant of Uncertain Significance.

St. Jude Molecular Pathology, St. Jude Children's Research Hospital
Classification: Uncertain significance for Tumor predisposition syndrome 3. Last evaluated: 2025-06-17. Review status: criteria provided, single submitter. Criteria: St. Jude Assertion Criteria 2020. Collection method: clinical testing. Allele origin: germline.
Comment: The POT1 c.632A>G (p.His211Arg) missense change is absent in gnomAD v2.1.1. The in silico tool REVEL predicts a benign effect on protein function, but this prediction has not been confirmed by functional studies. This variant has not been reported as pathogenic in individuals with POT1-associated conditions. In summary, the evidence currently available is insufficient to determine the clinical significance of this variant. It has therefore been classified as of uncertain significance.

Ambry Genetics
Classification: Uncertain significance for Hereditary cancer-predisposing syndrome. Last evaluated: 2024-01-14. Review status: criteria provided, single submitter. Criteria: Ambry Variant Classification Scheme 2023. Collection method: clinical testing. Allele origin: germline.
Comment: The p.H211R variant (also known as c.632A>G), located in coding exon 5 of the POT1 gene, results from an A to G substitution at nucleotide position 632. The histidine at codon 211 is replaced by arginine, an amino acid with highly similar properties. This amino acid position is conserved. In addition, this alteration is predicted to be tolerated by in silico analysis. Since supporting evidence is limited at this time, the clinical significance of this alteration remains unclear.